The following is an entry in ClinVar:

ClinVar aggregate classification (germline): Conflicting classifications of pathogenicity. Review status: criteria provided, conflicting classifications (1 of 4 stars). 2 submissions from 2 submitters: Uncertain significance (1); Likely benign (1). Last evaluated 2025-09-26.

Conditions:
Hereditary cancer-predisposing syndrome. Also called: Tumor predisposition; Hereditary neoplastic syndrome; Neoplastic Syndromes, Hereditary; Hereditary Cancer Syndrome. Identifiers: Orphanet 140162, MedGen C0027672, MeSH D009386, MONDO:0015356.
Ataxia-telangiectasia syndrome (AT). Also called: Cerebello-oculocutaneous telangiectasia; Immunodeficiency with ataxia telangiectasia; LOUIS-BAR SYNDROME; ATAXIA-TELANGIECTASIA, COMPLEMENTATION GROUP A; ATAXIA-TELANGIECTASIA, FRESNO VARIANT; Ataxia-telangiectasia, complementation group D. Identifiers: Orphanet 100, MedGen C0004135, MONDO:0008840, OMIM 208900.

Submissions (2):

Ambry Genetics
Classification: Likely benign for Hereditary cancer-predisposing syndrome. Last evaluated: 2025-09-26. Review status: criteria provided, single submitter. Criteria: Ambry Variant Classification Scheme 2023. Collection method: clinical testing. Allele origin: germline.

Labcorp Genetics (formerly Invitae), Labcorp
Classification: Uncertain significance for Ataxia-telangiectasia syndrome. Last evaluated: 2021-08-28. Review status: criteria provided, single submitter. Criteria: Invitae Variant Classification Sherloc (09022015). Collection method: clinical testing. Allele origin: germline.
Comment: This sequence change replaces glycine with valine at codon 1788 of the ATM protein (p.Gly1788Val). The glycine residue is weakly conserved and there is a moderate physicochemical difference between glycine and valine. This variant is not present in population databases (ExAC no frequency). This variant has not been reported in the literature in individuals affected with ATM-related conditions. Advanced modeling of protein sequence and biophysical properties (such as structural, functional, and spatial information, amino acid conservation, physicochemical variation, residue mobility, and thermodynamic stability) performed at Invitae indicates that this missense variant is not expected to disrupt ATM protein function. In summary, the available evidence is currently insufficient to determine the role of this variant in disease. Therefore, it has been classified as a Variant of Uncertain Significance.

NM_000051.4(ATM):c.5363G>T (p.Gly1788Val)

Gene: ATM (ATM serine/threonine kinase; plus strand). Cytogenetic location: 11q22.3.
Variant type: single nucleotide variant.
Coding change: c.5363G>T on transcript NM_000051.4 (MANE Select); coding-DNA position 5363, G replaced by T.
Protein change: p.Gly1788Val; replaces glycine 1788 with valine.
Molecular consequence: missense variant.
Genome position (GRCh38, 1-based): chr11:108,302,896, G>T. VCF-style: chr11-108302896-G-T. GRCh37 (hg19) VCF-style: chr11-108173623-G-T.
Other names: c.5363G>T, p.Gly1788Val (NM_001351834.2); c.5363G>T (NM_000051.3); short protein forms G1788V.
Identifiers: ClinVar variation 1380599 (VCV001380599.6), dbSNP rs2135927977, ClinGen allele CA382543368.